The following is an entry in ClinVar:

ClinVar aggregate classification (germline): Uncertain significance. Review status: criteria provided, multiple submitters, no conflicts (2 of 4 stars). 2 submissions from 2 submitters: Uncertain significance (2). Last evaluated 2025-10-22.

Conditions:
Inborn genetic diseases. Identifiers: MedGen C0950123, MeSH D030342.

Submissions (2):

Ambry Genetics
Classification: Uncertain significance for Inborn genetic diseases. Last evaluated: 2025-10-22. Review status: criteria provided, single submitter. Criteria: Ambry Variant Classification Scheme 2023. Collection method: clinical testing. Allele origin: germline.
Comment: The p.P365T variant (also known as c.1093C>A), located in coding exon 10 of the ANKRD26 gene, results from a C to A substitution at nucleotide position 1093. The proline at codon 365 is replaced by threonine, an amino acid with highly similar properties. This amino acid position is conserved. In addition, this alteration is predicted to be tolerated by in silico analysis. Based on the available evidence, the clinical significance of this variant remains unclear.

Labcorp Genetics (formerly Invitae), Labcorp
Classification: Uncertain significance. Last evaluated: 2023-08-14. Review status: criteria provided, single submitter. Criteria: Invitae Variant Classification Sherloc (09022015). Collection method: clinical testing. Allele origin: germline.
Comment: In summary, the available evidence is currently insufficient to determine the role of this variant in disease. Therefore, it has been classified as a Variant of Uncertain Significance. Algorithms developed to predict the effect of missense changes on protein structure and function output the following: SIFT: "Not Available"; PolyPhen-2: "Benign"; Align-GVGD: "Not Available". The threonine amino acid residue is found in multiple mammalian species, which suggests that this missense change does not adversely affect protein function. This variant has not been reported in the literature in individuals affected with ANKRD26-related conditions. This variant is not present in population databases (gnomAD no frequency). This sequence change replaces proline, which is neutral and non-polar, with threonine, which is neutral and polar, at codon 365 of the ANKRD26 protein (p.Pro365Thr).

NM_014915.3(ANKRD26):c.1093C>A (p.Pro365Thr)

Gene: ANKRD26 (ankyrin repeat domain 26; minus strand). Cytogenetic location: 10p12.1.
Variant type: single nucleotide variant.
Coding change: c.1093C>A on transcript NM_014915.3 (MANE Select); coding-DNA position 1093, C replaced by A.
Protein change: p.Pro365Thr; replaces proline 365 with threonine.
Molecular consequence: missense variant.
Genome position (GRCh38, 1-based): chr10:27,067,271, G>T on the plus strand (C>A on the coding strand, the complement: ANKRD26 is on the minus strand). VCF-style: chr10-27067271-G-T. GRCh37 (hg19) VCF-style: chr10-27356200-G-T.
Other names: c.1093C>A, p.Pro365Thr (NM_001256053.2); short protein forms P365T.
Identifiers: ClinVar variation 2905817 (VCV002905817.4), dbSNP rs2539037622, ClinGen allele CA376360097.